The following is an entry in ClinVar:

NM_001378418.1(TCF20):c.3071G>C (p.Arg1024Thr)

Gene: TCF20 (transcription factor 20; minus strand). Cytogenetic location: 22q13.2.
Variant type: single nucleotide variant.
Coding change: c.3071G>C on transcript NM_001378418.1 (MANE Select); coding-DNA position 3071, G replaced by C.
Protein change: p.Arg1024Thr; replaces arginine 1024 with threonine.
Molecular consequence: missense variant.
Genome position (GRCh38, 1-based): chr22:42,212,235, C>G on the plus strand (G>C on the coding strand, the complement: TCF20 is on the minus strand). VCF-style: chr22-42212235-C-G. GRCh37 (hg19) VCF-style: chr22-42608241-C-G.
Other names: c.3071G>C, p.Arg1024Thr (NM_005650.4, NM_181492.3); short protein forms R1024T.
Identifiers: ClinVar variation 4733886 (VCV004733886.1).

ClinVar aggregate classification (germline): Uncertain significance (1 of 4 stars; one submission).

Submission:

Labcorp Genetics (formerly Invitae), Labcorp
Classification: Uncertain significance. Last evaluated: 2025-12-22. Review status: criteria provided, single submitter. Criteria: Invitae Variant Classification Sherloc (09022015). Collection method: clinical testing. Allele origin: germline.
Comment: This sequence change replaces arginine, which is basic and polar, with threonine, which is neutral and polar, at codon 1024 of the TCF20 protein (p.Arg1024Thr). This variant is not present in population databases (gnomAD no frequency). This variant has not been reported in the literature in individuals affected with TCF20-related conditions. An algorithm developed to predict the effect of missense changes on protein structure and function (PolyPhen-2) suggests that this variant is likely to be disruptive. In summary, the available evidence is currently insufficient to determine the role of this variant in disease. Therefore, it has been classified as a Variant of Uncertain Significance.